The following is an entry in ClinVar:

ClinVar aggregate classification (germline): Uncertain significance (1 of 4 stars; one submission).

Submission:

Ambry Genetics
Classification: Uncertain significance. Last evaluated: 2025-12-24. Review status: criteria provided, single submitter. Criteria: Ambry Variant Classification Scheme 2023. Collection method: clinical testing. Allele origin: germline.
Comment: The c.583G>A (p.V195M) alteration is located in exon 4 (coding exon 4) of the VPS18 gene. This alteration results from a G to A substitution at nucleotide position 583, causing the valine (V) at amino acid position 195 to be replaced by a methionine (M). Based on data from gnomAD, the A allele has an overall frequency of 0.004% (10/279564) total alleles studied. The highest observed frequency was 0.014% (1/7134) of Other alleles. Based on insufficient or conflicting evidence, the clinical significance of this alteration remains unclear.

NM_020857.3(VPS18):c.583G>A (p.Val195Met)

Gene: VPS18 (VPS18 core subunit of CORVET and HOPS complexes; plus strand). Cytogenetic location: 15q15.1.
Variant type: single nucleotide variant.
Coding change: c.583G>A on transcript NM_020857.3 (MANE Select); coding-DNA position 583, G replaced by A.
Protein change: p.Val195Met; replaces valine 195 with methionine.
Molecular consequence: missense variant.
Genome position (GRCh38, 1-based): chr15:40,899,401, G>A. VCF-style: chr15-40899401-G-A. GRCh37 (hg19) VCF-style: chr15-41191599-G-A.
Other names: short protein forms V195M.
Identifiers: ClinVar variation 4828671 (VCV004828671.1).
Genomic context (GRCh38, chr15:40,899,401, plus strand): 5'-TCAGCCAGCGAAGGTGGGCTTTTCGGCCCTGCTCCGGATCTCTACTTCCGCCCATTGTAC[G>A]TGCTAAATGAAGAAGGGGGTCCAGCACCTGTGTGCTCCCTTGAGGCCGAGCGGGGCCCTG-3'
Protein context (NP_065908.1, residues 185-205): APDLYFRPLY[Val195Met]LNEEGGPAPV